The following is an entry in ClinVar:

ClinVar aggregate classification (germline): Conflicting classifications of pathogenicity. Review status: criteria provided, conflicting classifications (1 of 4 stars). 5 submissions from 5 submitters: Uncertain significance (4); Likely benign (1). Last evaluated 2025-10-22.

Conditions:
ADGRV1-related disorder. Also called: ADGRV1-related condition; ADGRV1-related disorders.
Inborn genetic diseases. Identifiers: MedGen C0950123, MeSH D030342.

Allele frequency attached by ClinVar (database versions not stated): gnomAD exomes 0.00001 and 0.00003; ExAC 0.00002; TOPMed 0.00007.
gnomAD v4.1: 22 of 1,613,648 alleles (0.0014%); highest among the groups gnomAD compares: African/African-American, 0.016%; no homozygotes.

Submissions (5):

Labcorp Genetics (formerly Invitae), Labcorp
Classification: Likely benign. Last evaluated: 2025-10-22. Review status: criteria provided, single submitter. Criteria: Invitae Variant Classification Sherloc (09022015). Collection method: clinical testing. Allele origin: germline.

Ambry Genetics
Classification: Uncertain significance for Inborn genetic diseases. Last evaluated: 2025-06-11. Review status: criteria provided, single submitter. Criteria: Ambry Variant Classification Scheme 2023. Collection method: clinical testing. Allele origin: germline.

PreventionGenetics, part of Exact Sciences
Classification: Uncertain significance for ADGRV1-related condition. Last evaluated: 2025-04-01. Review status: criteria provided, single submitter. Criteria: ACMG Guidelines, 2015. Collection method: clinical testing. Allele origin: germline.
Comment: The ADGRV1 c.16226G>A variant is predicted to result in the amino acid substitution p.Arg5409Gln. To our knowledge, this variant has not been reported in the literature. This variant is reported in 0.025% of alleles in individuals of African descent in gnomAD. At this time, the clinical significance of this variant is uncertain due to the absence of conclusive functional and genetic evidence.

Blueprint Genetics
Classification: Uncertain significance. Last evaluated: 2021-06-04. Review status: criteria provided, single submitter. Criteria: ACMG Guidelines, 2015. Collection method: clinical testing. Allele origin: germline.

Eurofins Ntd Llc (ga)
Classification: Uncertain significance. Last evaluated: 2016-01-22. Review status: criteria provided, single submitter. Criteria: EGL Classification Definitions 2015. Collection method: clinical testing. Allele origin: germline. Observed: 1 variant allele, 1 heterozygote.

NM_032119.4(ADGRV1):c.16226G>A (p.Arg5409Gln)

Gene: ADGRV1 (adhesion G protein-coupled receptor V1; plus strand). Cytogenetic location: 5q14.3.
Variant type: single nucleotide variant.
Coding change: c.16226G>A on transcript NM_032119.4 (MANE Select); coding-DNA position 16226, G replaced by A.
Protein change: p.Arg5409Gln; replaces arginine 5409 with glutamine.
Molecular consequence: missense variant. On other transcripts: non-coding transcript variant (1).
Genome position (GRCh38, 1-based): chr5:90,823,454, G>A. VCF-style: chr5-90823454-G-A. GRCh37 (hg19) VCF-style: chr5-90119271-G-A.
Other names: short protein forms R5409Q.
Identifiers: ClinVar variation 285407 (VCV000285407.15), dbSNP rs567881943, ClinGen allele CA3342090.